The following is an entry in ClinVar:

ClinVar aggregate classification (germline): Uncertain significance (1 of 4 stars; one submission).

Conditions:
Fanconi anemia (FA). Also called: Fanconi's anemia. Identifiers: Orphanet 84, MedGen C0015625, MeSH D005199, MONDO:0019391.

Allele frequency attached by ClinVar (database versions not stated): gnomAD exomes 0.00001; gnomAD 0.00015 and 0.00016; TOPMed 0.00016.

Submission:

Labcorp Genetics (formerly Invitae), Labcorp
Classification: Uncertain significance for Fanconi anemia. Last evaluated: 2021-09-01. Review status: criteria provided, single submitter. Criteria: Invitae Variant Classification Sherloc (09022015). Collection method: clinical testing. Allele origin: germline.
Comment: This sequence change replaces arginine with threonine at codon 218 of the SLX4 protein (p.Arg218Thr). The arginine residue is moderately conserved and there is a moderate physicochemical difference between arginine and threonine. This variant is present in population databases (rs756079504, ExAC 0.009%). This variant has not been reported in the literature in individuals affected with SLX4-related conditions. Algorithms developed to predict the effect of missense changes on protein structure and function are either unavailable or do not agree on the potential impact of this missense change (SIFT: "Deleterious"; PolyPhen-2: "Probably Damaging"; Align-GVGD: "Class C0"). In summary, the available evidence is currently insufficient to determine the role of this variant in disease. Therefore, it has been classified as a Variant of Uncertain Significance.

NM_032444.4(SLX4):c.653G>C (p.Arg218Thr)

Gene: SLX4 (SLX4 structure-specific endonuclease subunit; minus strand). Cytogenetic location: 16p13.3.
Variant type: single nucleotide variant.
Coding change: c.653G>C on transcript NM_032444.4 (MANE Select); coding-DNA position 653, G replaced by C.
Protein change: p.Arg218Thr; replaces arginine 218 with threonine.
Molecular consequence: missense variant.
Genome position (GRCh38, 1-based): chr16:3,606,581, C>G on the plus strand (G>C on the coding strand, the complement: SLX4 is on the minus strand). VCF-style: chr16-3606581-C-G. GRCh37 (hg19) VCF-style: chr16-3656582-C-G.
Other names: c.653G>C (LRG_503t1); short protein forms R218T.
Identifiers: ClinVar variation 407919 (VCV000407919.7), dbSNP rs756079504, ClinGen allele CA7866801.
Genomic context (GRCh38, chr16:3,606,581, plus strand): 5'-TCCCGCGCAGCCTCGAGGGAGCACTCTTCTGAAGCGTGTCTCAAACGCTCGGGGTCTGCT[C>G]TCTTGAACTGCTGCATTCGCTGTAGGACCAATTGTGCTGTGCGGGGTTTGGAGGGACTTG-3'
Protein context (NP_115820.2, residues 208-228): LVLQRMQQFK[Arg218Thr]ADPERLRHAS